The following is an entry in ClinVar:

ClinVar aggregate classification (germline): Uncertain significance (1 of 4 stars; one submission).

Conditions:
Lissencephaly 9 with complex brainstem malformation. Identifiers: Orphanet 572013, MedGen C5193029, MONDO:0032677, OMIM 618325.

Submission:

Victorian Clinical Genetics Services, Murdoch Childrens Research Institute
Classification: Uncertain significance for Lissencephaly 9 with complex brainstem malformation. Last evaluated: 2025-02-11. Review status: criteria provided, single submitter. Criteria: ACMG Guidelines, 2015. Collection method: clinical testing. Allele origin: germline. Affected: yes.
Comment: This variant is classified as VUS-3C. Evidence in support of pathogenic classification: Variant is present in gnomAD <0.001 for a dominant condition (v4: 2 heterozygote(s), 0 homozygote(s)); Evidence in support of benign classification: Missense variant predicted to be tolerated by in silico tool(s) or not conserved in placental mammals with a minor amino acid change. Additional information: Variant is predicted to result in a missense amino acid change from proline to serine; This variant is non-coding in an alternative transcript. This variant is coding in the MANE select transcript NM_001394062.1, but is non-coding in two other transcripts. The MANE select transcript has low expression in many tissues, and there are limited reports of pathogenic variants in the exon this variant is located in and other exons exclusive to this transcript (GTEx, ClinVar). Therefore the importance of this exon is unclear; This variant is heterozygous; This gene is associated with autosomal dominant disease; Multiple alternative amino acid change(s) at the same position are present in gnomAD (Highest allele count: v4: 16 heterozygote(s), 0 homozygote(s)); This variant has no previous evidence of pathogenicity; No published segregation evidence has been identified for this variant; No published functional evidence has been identified for this variant; No comparable missense variants have previous evidence for pathogenicity; Variant is not located in an established domain, motif, hotspot or informative constraint region; The mechanism of disease for this gene is not clearly established. However, gain of function and dominant negative have both been suggested (PMID: 30471716).

Literature cited by the submitters: PubMed 30471716.

NM_001394062.1(MACF1):c.10165C>T (p.Pro3389Ser)

Gene: MACF1 (microtubule actin crosslinking factor 1; plus strand). Cytogenetic location: 1p34.3.
Variant type: single nucleotide variant.
Coding change: c.10165C>T on transcript NM_001394062.1 (MANE Select); coding-DNA position 10165, C replaced by T.
Protein change: p.Pro3389Ser; replaces proline 3389 with serine.
Molecular consequence: missense variant. On other transcripts: intron variant (1).
Genome position (GRCh38, 1-based): chr1:39,337,281, C>T. VCF-style: chr1-39337281-C-T. GRCh37 (hg19) VCF-style: chr1-39802953-C-T.
Other names: c.4629+9928C>T (NM_012090.5); short protein forms P3389S.
Identifiers: ClinVar variation 4531462 (VCV004531462.1).
Genomic context (GRCh38, chr1:39,337,281, plus strand): 5'-AAGCTAGTATCCTATCTGTCTCTGTTACGGAACATTGAAATGAGGACCAAACAGATTCAA[C>T]CTTTGGAGCTAAACCTGGCAGAACTACAGGATCTGCTGTGTCAGGCCAAGGTAGGTTCCC-3'
Protein context (NP_001380991.1, residues 3379-3399): NIEMRTKQIQ[Pro3389Ser]LELNLAELQD